The following is an entry in ClinVar:

NM_001278669.2(NFATC1):c.268G>A (p.Gly90Arg)

Gene: NFATC1 (nuclear factor of activated T cells 1; plus strand). Cytogenetic location: 18q23.
Variant type: single nucleotide variant.
Coding change: c.268G>A on transcript NM_001278669.2 (MANE Select); coding-DNA position 268, G replaced by A.
Protein change: p.Gly90Arg; replaces glycine 90 with arginine.
Molecular consequence: missense variant. On other transcripts: intron variant (2).
Genome position (GRCh38, 1-based): chr18:79,410,543, G>A. VCF-style: chr18-79410543-G-A. GRCh37 (hg19) VCF-style: chr18-77170543-G-A.
Other names: c.268G>A, p.Gly90Arg (NM_001278670.2, NM_006162.5, NM_172390.3); c.229G>A, p.Gly77Arg (NM_001278672.2, NM_001278675.2, NM_172387.3 and 1 more transcripts); c.-191+14192G>A (NM_172388.3); c.-191+10064G>A (NM_001278673.2); short protein forms G90R, G77R.
Identifiers: ClinVar variation 2194807 (VCV002194807.4), dbSNP rs150029004, ClinGen allele CA9008791.

ClinVar aggregate classification (germline): Uncertain significance (1 of 4 stars; one submission).

Allele frequency attached by ClinVar (database versions not stated): gnomAD exomes 0.00003; ESP Exome Variant Server 0.00008; ExAC 0.00009; gnomAD 0.00027; TOPMed 0.00062; 1000 Genomes Project 30x 0.00125; 1000 Genomes Project 0.00140.
gnomAD v4.1: 94 of 1,611,704 alleles (0.0058%); highest among the groups gnomAD compares: Admixed American, 0.088%; no homozygotes.

Submission:

Labcorp Genetics (formerly Invitae), Labcorp
Classification: Uncertain significance. Last evaluated: 2022-02-12. Review status: criteria provided, single submitter. Criteria: Invitae Variant Classification Sherloc (09022015). Collection method: clinical testing. Allele origin: germline.
Comment: This sequence change replaces glycine, which is neutral and non-polar, with arginine, which is basic and polar, at codon 90 of the NFATC1 protein (p.Gly90Arg). Algorithms developed to predict the effect of sequence changes on RNA splicing suggest that this variant may create or strengthen a splice site. Algorithms developed to predict the effect of missense changes on protein structure and function are either unavailable or do not agree on the potential impact of this missense change (SIFT: "Tolerated"; PolyPhen-2: "Possibly Damaging"; Align-GVGD: "Class C0"). This variant has not been reported in the literature in individuals affected with NFATC1-related conditions. This variant is present in population databases (rs150029004, gnomAD 0.01%). In summary, the available evidence is currently insufficient to determine the role of this variant in disease. Therefore, it has been classified as a Variant of Uncertain Significance.